The following is an entry in ClinVar:

ClinVar aggregate classification (germline): Uncertain significance (1 of 4 stars; one submission).

Conditions:
Congenital myotonia, autosomal recessive form. Also called: BECKER DISEASE; Becker Generalized Myotonia; myotonia congenita, autosomal recessive. Identifiers: Orphanet 614, MedGen C0751360, MONDO:0009715, OMIM 255700.
Congenital myotonia, autosomal dominant form (THD). Also called: THOMSEN DISEASE; Myotonia congenita autosomal dominant. Identifiers: Orphanet 614, MedGen C2936781, MONDO:0008055, OMIM 160800.

Allele frequency attached by ClinVar (database versions not stated): gnomAD exomes below 0.00001; TOPMed below 0.00001.
gnomAD v4.1: 1 of 1,614,136 alleles (0.000062%); highest among the groups gnomAD compares: Non-Finnish European, 0.000085%; no homozygotes.

Submission:

Labcorp Genetics (formerly Invitae), Labcorp
Classification: Uncertain significance for Congenital myotonia, autosomal recessive form; Congenital myotonia, autosomal dominant form. Last evaluated: 2022-02-05. Review status: criteria provided, single submitter. Criteria: Invitae Variant Classification Sherloc (09022015). Collection method: clinical testing. Allele origin: germline.
Comment: This sequence change replaces phenylalanine, which is neutral and non-polar, with leucine, which is neutral and non-polar, at codon 399 of the CLCN1 protein (p.Phe399Leu). This variant is present in population databases (no rsID available, gnomAD 0.003%). This variant has not been reported in the literature in individuals affected with CLCN1-related conditions. Advanced modeling of protein sequence and biophysical properties (such as structural, functional, and spatial information, amino acid conservation, physicochemical variation, residue mobility, and thermodynamic stability) performed at Invitae indicates that this missense variant is not expected to disrupt CLCN1 protein function. In summary, the available evidence is currently insufficient to determine the role of this variant in disease. Therefore, it has been classified as a Variant of Uncertain Significance.

NM_000083.3(CLCN1):c.1195T>C (p.Phe399Leu)

Gene: CLCN1 (chloride voltage-gated channel 1; plus strand). Cytogenetic location: 7q34.
Variant type: single nucleotide variant.
Coding change: c.1195T>C on transcript NM_000083.3 (MANE Select); coding-DNA position 1195, T replaced by C.
Protein change: p.Phe399Leu; replaces phenylalanine 399 with leucine.
Molecular consequence: missense variant. On other transcripts: non-coding transcript variant (1).
Genome position (GRCh38, 1-based): chr7:143,332,447, T>C. VCF-style: chr7-143332447-T-C. GRCh37 (hg19) VCF-style: chr7-143029540-T-C.
Other names: short protein forms F399L.
Identifiers: ClinVar variation 2093371 (VCV002093371.1), dbSNP rs1178110314, ClinGen allele CA369643260.